The following is an entry in ClinVar:

NM_001145252.3(CFP):c.709C>T (p.Pro237Ser)

Gene: CFP (complement factor properdin; minus strand). Cytogenetic location: Xp11.23.
Variant type: single nucleotide variant.
Coding change: c.709C>T on transcript NM_001145252.3 (MANE Select); coding-DNA position 709, C replaced by T.
Protein change: p.Pro237Ser; replaces proline 237 with serine.
Molecular consequence: missense variant.
Genome position (GRCh38, 1-based): chrX:47,627,198, G>A on the plus strand (C>T on the coding strand, the complement: CFP is on the minus strand). VCF-style: chrX-47627198-G-A. GRCh37 (hg19) VCF-style: chrX-47486597-G-A.
Other names: c.709C>T, p.Pro237Ser (NM_002621.2); short protein forms P237S.
Identifiers: ClinVar variation 2121373 (VCV002121373.4), dbSNP rs2519717019, ClinGen allele CA412837967.

ClinVar aggregate classification (germline): Uncertain significance (1 of 4 stars; one submission).

Submission:

Labcorp Genetics (formerly Invitae), Labcorp
Classification: Uncertain significance. Last evaluated: 2022-04-04. Review status: criteria provided, single submitter. Criteria: Invitae Variant Classification Sherloc (09022015). Collection method: clinical testing. Allele origin: germline.
Comment: In summary, the available evidence is currently insufficient to determine the role of this variant in disease. Therefore, it has been classified as a Variant of Uncertain Significance. Algorithms developed to predict the effect of missense changes on protein structure and function are either unavailable or do not agree on the potential impact of this missense change (SIFT: "Tolerated"; PolyPhen-2: "Probably Damaging"; Align-GVGD: "Class C0"). This variant has not been reported in the literature in individuals affected with CFP-related conditions. This variant is not present in population databases (gnomAD no frequency). This sequence change replaces proline, which is neutral and non-polar, with serine, which is neutral and polar, at codon 237 of the CFP protein (p.Pro237Ser).